The following is an entry in ClinVar:

ClinVar aggregate classification (germline): Uncertain significance (1 of 4 stars; one submission).

Submission:

Labcorp Genetics (formerly Invitae), Labcorp
Classification: Uncertain significance. Last evaluated: 2019-09-14. Review status: criteria provided, single submitter. Criteria: Invitae Variant Classification Sherloc (09022015). Collection method: clinical testing. Allele origin: germline.
Comment: In summary, the available evidence is currently insufficient to determine the role of this variant in disease. Therefore, it has been classified as a Variant of Uncertain Significance. This type of rearrangement has not been reported in the literature in individuals with ADAMTS18-related conditions. This variant is a complex rearrangement involving several multi-exon deletions: a heterozygous loss of exons 1-7, a heterozygous loss of exon 11, an apparently homozygous loss of exon 12, and a heterozygous loss of exon 13-23.

NC_000016.10:g.(?_77341704)_(77341799_?)del

Gene: ADAMTS18 (ADAM metallopeptidase with thrombospondin type 1 motif 18; minus strand). Cytogenetic location: 16q23.1.
Variant type: Deletion.
Identifiers: ClinVar variation 832587 (VCV000832587.9).